The following is an entry in ClinVar:

NM_006121.4(KRT1):c.1445A>G (p.Tyr482Cys)

Gene: KRT1 (keratin 1; minus strand). Cytogenetic location: 12q13.13.
Variant type: single nucleotide variant.
Coding change: c.1445A>G on transcript NM_006121.4 (MANE Select); coding-DNA position 1445, A replaced by G.
Protein change: p.Tyr482Cys; replaces tyrosine 482 with cysteine.
Molecular consequence: missense variant.
Genome position (GRCh38, 1-based): chr12:52,676,305, T>C on the plus strand (A>G on the coding strand, the complement: KRT1 is on the minus strand). VCF-style: chr12-52676305-T-C. GRCh37 (hg19) VCF-style: chr12-53070089-T-C.
Other names: Y481C; short protein forms Y482C.
Identifiers: ClinVar variation 15909 (VCV000015909.6), dbSNP rs58420087, ClinGen allele CA126044.

ClinVar aggregate classification (germline): Likely pathogenic. Review status: criteria provided, single submitter (1 of 4 stars). 3 submissions from 3 submitters: Likely pathogenic (1). 2 of the submissions do not count toward it. Last evaluated 2024-07-30.

Conditions:
Epidermolytic ichthyosis. Also called: Bullous ichthyosiform erythroderma; KRT10-Related Epidermolytic Hyperkeratosis; Epidermolytic Hyperkeratosis; Congenital bullous ichthyosiform erythroderma. Identifiers: Orphanet 312, MedGen C0079153, MONDO:0007239, HP:0007475.

Submissions (3):

Labcorp Genetics (formerly Invitae), Labcorp
Classification: Likely pathogenic. Last evaluated: 2024-07-30. Review status: criteria provided, single submitter. Criteria: Invitae Variant Classification Sherloc (09022015). Collection method: clinical testing. Allele origin: germline.
Comment: This sequence change replaces tyrosine, which is neutral and polar, with cysteine, which is neutral and slightly polar, at codon 482 of the KRT1 protein (p.Tyr482Cys). This variant is not present in population databases (gnomAD no frequency). This missense change has been observed in individuals with clinical features of epidermolytic ichthyosis (PMID: 7512983, 22930352). This variant is also known as 481Tyr/Cys. ClinVar contains an entry for this variant (Variation ID: 15909). Advanced modeling of protein sequence and biophysical properties (such as structural, functional, and spatial information, amino acid conservation, physicochemical variation, residue mobility, and thermodynamic stability) performed at Invitae indicates that this missense variant is expected to disrupt KRT1 protein function with a positive predictive value of 95%. In summary, the currently available evidence indicates that the variant is pathogenic, but additional data are needed to prove that conclusively. Therefore, this variant has been classified as Likely Pathogenic.

OMIM
Classification: Pathogenic for EPIDERMOLYTIC HYPERKERATOSIS 1. Last evaluated: 1994-04-01. Review status: no assertion criteria provided. Collection method: literature only. Allele origin: germline. Not counted in ClinVar's aggregate classification.

Epithelial Biology;  Institute of Medical Biology, Singapore
No classification provided. Review status: no classification provided. Collection method: not provided. Allele origin: not provided. Not counted in ClinVar's aggregate classification.

Literature cited by the submitters: PubMed 7512983 (cited by Labcorp Genetics (formerly Invitae), Labcorp and OMIM); PubMed 22930352 (cited by Labcorp Genetics (formerly Invitae), Labcorp).